The following is an entry in ClinVar:

NM_001270974.2(HYDIN):c.1529del (p.Phe510fs)

Gene: HYDIN (HYDIN axonemal central pair apparatus protein; minus strand). Cytogenetic location: 16q22.2.
Variant type: Deletion.
Coding change: c.1529del on transcript NM_001270974.2 (MANE Select); coding-DNA position 1529, one base deleted (T; older notation c.1529delT).
Protein change: p.Phe510fs; shifts the reading frame from phenylalanine 510.
Molecular consequence: frameshift variant.
Genome position (GRCh38, 1-based): chr16:71,088,442, A deleted on the plus strand (T on the coding strand, the reverse complement: HYDIN is on the minus strand); the first of 4 consecutive A bases (chr16:71,088,442-71,088,445); deleting any one gives the same sequence. VCF-style (leftmost placement, unchanged base first): chr16-71088441-GA-G. GRCh37 (hg19) VCF-style: chr16-71122344-GA-G.
Other names: c.1610del, p.Phe537fs (NM_001198542.1); c.1580del, p.Phe527fs (NM_001198543.1); c.1529del, p.Phe510fs (NM_017558.5); short protein forms F510fs, F527fs, F537fs.
Identifiers: ClinVar variation 3027488 (VCV003027488.1), dbSNP rs2082999197, ClinGen allele CA978727779.

ClinVar aggregate classification (germline): Pathogenic (1 of 4 stars; one submission).

Conditions:
Primary ciliary dyskinesia 5. Also called: CILIARY DYSKINESIA, PRIMARY, 5, WITHOUT SITUS INVERSUS. Identifiers: Orphanet 244, MedGen C1837615, MONDO:0012088, OMIM 608647.

Submission:

Royal Brompton Clinical Genetics And Genomics Laboratory, NHS South East Genomic Laboratory Hub
Classification: Pathogenic for Primary ciliary dyskinesia 5. Last evaluated: 2024-03-06. Review status: criteria provided, single submitter. Criteria: RBHT-CGGL ClinVar Assertion Criteria. Collection method: clinical testing. Allele origin: germline. Affected: yes. Observed: 2 variant alleles.
Comment: 2 siblings Compound heterozygous with likely pathogenic NM_001270974.2:c.8487_8489delinsCA 2 siblings Compound heterozygous with likely pathogenic NM_001270974.2:c.6669+1G>A